The following is an entry in ClinVar:

ClinVar aggregate classification (germline): Pathogenic (1 of 4 stars; one submission).

Conditions:
Coffin-Siris syndrome 1 (CSS1). Also called: ARID1B-Related Coffin-Siris Syndrome; Mental retardation, autosomal dominant 12. Identifiers: Orphanet 1465, MedGen C3281201, MONDO:0007617, OMIM 135900. Disease mechanism: gain of function.

Submission:

Institute of Human Genetics, Clinical Exome/Genome Diagnostics Group, University Hospital Bonn
Classification: Pathogenic for Coffin-Siris syndrome 1. Last evaluated: 2024-12-11. Review status: criteria provided, single submitter. Criteria: ACMG Guidelines, 2015. Collection method: clinical testing. Allele origin: de novo. Inheritance: Autosomal dominant inheritance. Affected: yes. Observed: 1 heterozygote.
Comment: PVS1, PS2, PM2_supp

NM_001374828.1(ARID1B):c.4763G>A (p.Trp1588Ter)

Gene: ARID1B (AT-rich interaction domain 1B; plus strand). Cytogenetic location: 6q25.3.
Variant type: single nucleotide variant.
Coding change: c.4763G>A on transcript NM_001374828.1 (MANE Select); coding-DNA position 4763, G replaced by A.
Protein change: p.Trp1588Ter; replaces tryptophan 1588 with a stop codon.
Molecular consequence: nonsense.
Genome position (GRCh38, 1-based): chr6:157,200,988, G>A. VCF-style: chr6-157200988-G-A. GRCh37 (hg19) VCF-style: chr6-157522122-G-A.
Other names: c.2264G>A, p.Trp755Ter (NM_001363725.2); c.4643G>A, p.Trp1548Ter (NM_001371656.1, NM_001374820.1); c.4604G>A, p.Trp1535Ter (NM_017519.3); short protein forms W1535*, W1548*, W1588*, W755*.
Identifiers: ClinVar variation 3776753 (VCV003776753.1).